The following is an entry in ClinVar:

ClinVar aggregate classification (germline): Uncertain significance (1 of 4 stars; one submission).

Conditions:
Familial thoracic aortic aneurysm and aortic dissection (TAAD). Also called: Thoracic aortic aneurysms and dissections. Identifiers: Orphanet 91387, MedGen C4707243, MONDO:0019625.

Submission:

Ambry Genetics
Classification: Uncertain significance for Familial thoracic aortic aneurysm and aortic dissection. Last evaluated: 2021-02-05. Review status: criteria provided, single submitter. Criteria: Ambry Variant Classification Scheme 2023. Collection method: clinical testing. Allele origin: germline.
Comment: The c.7707_7709delCGA variant (also known as p.D2569del) is located in coding exon 62 of the FBN1 gene. This variant results from an in-frame CGA deletion at nucleotide positions 7707 to 7709. This results in the in-frame deletion of an aspartic acid at codon 2569 in the calcium binding consensus sequence of the cb EGF-like #41 domain. This amino acid position is highly conserved in available vertebrate species. In addition, this alteration is predicted to be deleterious by in silico analysis (Choi Y et al. PLoS ONE. 2012; 7(10):e46688). Since supporting evidence is limited at this time, the clinical significance of this alteration remains unclear.

NM_000138.5(FBN1):c.7707_7709del (p.Asp2569del)

Gene: FBN1 (fibrillin 1; minus strand). Cytogenetic location: 15q21.1.
Variant type: Deletion.
Coding change: c.7707_7709del on transcript NM_000138.5 (MANE Select); coding-DNA positions 7707 to 7709, 3 bases deleted (CGA; older notation c.7707_7709delCGA).
Protein change: p.Asp2569del; deletes aspartic acid 2569.
Molecular consequence: inframe deletion. On other transcripts: inframe indel (2).
Genome position (GRCh38, 1-based): chr15:48,420,797-48,420,799, TCG deleted on the plus strand (CGA on the coding strand, the reverse complement: FBN1 is on the minus strand); deleting any 3 consecutive bases within chr15:48,420,797-48,420,801 gives the same sequence; the c. name uses the placement nearest the transcript's 3' end. VCF-style (leftmost placement, unchanged base first): chr15-48420796-CTCG-C. GRCh37 (hg19) VCF-style: chr15-48712993-CTCG-C.
Other names: c.7707_7709delCGA (NM_000138.4); c.7705_7707delGAC, p.Asp2569del (NM_001406716.1); short protein forms D2569del.
Identifiers: ClinVar variation 1760237 (VCV001760237.2), dbSNP rs2505395387, ClinGen allele CA2580089638.